The following is an entry in ClinVar:

NM_000543.5(SMPD1):c.996del (p.Phe333fs)

Gene: SMPD1 (sphingomyelin phosphodiesterase 1; plus strand). Cytogenetic location: 11p15.4.
Variant type: Deletion.
Coding change: c.996del on transcript NM_000543.5 (MANE Select); coding-DNA position 996, one base deleted (C; older notation c.996delC).
Protein change: p.Phe333fs; shifts the reading frame from phenylalanine 333.
Molecular consequence: frameshift variant. On other transcripts: non-coding transcript variant (1).
Genome position (GRCh38, 1-based): chr11:6,392,061, C deleted; the last of 6 consecutive C bases (chr11:6,392,056-6,392,061); deleting any one gives the same sequence. VCF-style (leftmost placement, unchanged base first): chr11-6392055-TC-T. GRCh37 (hg19) VCF-style: chr11-6413285-TC-T.
Other names: fsp330; fsP330; p.Phe333Serfs*52; c.993del, p.Phe332fs (NM_001007593.3); c.996del, p.Phe333fs (NM_001318087.2, NM_001365135.2); c.35del, p.Pro12fs (NM_001318088.2); c.996del (NM_000543.4); short protein forms F332fs, F333fs, P12fs.
Identifiers: ClinVar variation 2990 (VCV000002990.38), dbSNP rs387906289, ClinGen allele CA252521.

ClinVar aggregate classification (germline): Pathogenic. Review status: criteria provided, multiple submitters, no conflicts (2 of 4 stars). 14 submissions from 14 submitters: Pathogenic (11). 3 of the submissions do not count toward it. Last evaluated 2026-01-04.

Conditions:
Acid sphingomyelinase deficiency. Identifiers: Orphanet 618899, MedGen C5243927, MONDO:0100464.
Niemann-Pick disease, type B. Also called: Chronic Visceral ASMD (Niemann-Pick Disease Type B; NPD-B). Identifiers: Orphanet 77293, MedGen C0268243, MONDO:0011871, OMIM 607616. Disease mechanism: loss of function.
Niemann-Pick disease, type A. Also called: SPHINGOMYELIN LIPIDOSIS; SPHINGOMYELINASE DEFICIENCY; Infantile Neurovisceral ASMD (Niemann-Pick Disease Type A; NPD-A). Identifiers: Orphanet 77292, MedGen C0268242, MONDO:0009756, OMIM 257200. Disease mechanism: loss of function.
Sphingomyelin/cholesterol lipidosis. Also called: Niemann-Pick disease. Identifiers: MedGen C0028064, MONDO:0001982.

Submissions (14):

Labcorp Genetics (formerly Invitae), Labcorp
Classification: Pathogenic for Niemann-Pick disease, type B; Niemann-Pick disease, type A. Last evaluated: 2026-01-04. Review status: criteria provided, single submitter. Criteria: Invitae Variant Classification Sherloc (09022015). Collection method: clinical testing. Allele origin: germline.
Comment: This sequence change creates a premature translational stop signal (p.Phe333Serfs*52) in the SMPD1 gene. It is expected to result in an absent or disrupted protein product. Loss-of-function variants in SMPD1 are known to be pathogenic (PMID: 12369017, 15221801). This variant is present in population databases (rs772960412, gnomAD 0.1%). This premature translational stop signal has been observed in individuals with Niemann-Pick disease (PMID: 8401540). ClinVar contains an entry for this variant (Variation ID: 2990). For these reasons, this variant has been classified as Pathogenic.

Natera, Inc.
Classification: Pathogenic for Niemann-Pick Disease, Types A/B. Last evaluated: 2025-08-26. Review status: criteria provided, single submitter. Criteria: Natera Variant Classification Schema (03/2026). Collection method: clinical testing. Allele origin: germline.
Comment: The c.996delC variant in SMPD1 is a frameshift variant predicted to shift the reading frame beginning at codon 333 and leads to a stop codon 52 codons downstream. This variant is expected to result in nonsense mediated decay, truncation, or a dysfunctional protein product. This variant is rare in the general population with a frequency below the threshold expected for the associated phenotype(s). This variant has been observed in one or more individuals affected with the associated recessive disease, as either homozygous or compound heterozygous with a second variant (PMID: 23252888, 8401540). Given the available evidence, this variant is classified as Pathogenic.

Revvity Omics, Revvity
Classification: Pathogenic. Last evaluated: 2025-07-26. Review status: criteria provided, single submitter. Criteria: ACMG Guidelines, 2015. Collection method: clinical testing. Allele origin: germline.

Baylor Genetics
Classification: Pathogenic for Niemann-Pick disease, type A. Last evaluated: 2024-03-25. Review status: criteria provided, single submitter. Criteria: ACMG Guidelines, 2015. Collection method: clinical testing. Allele origin: unknown.

Fulgent Genetics
Classification: Pathogenic for Niemann-Pick disease, type A; Niemann-Pick disease, type B. Last evaluated: 2024-03-15. Review status: criteria provided, single submitter. Criteria: ACMG Guidelines, 2015. Collection method: clinical testing. Allele origin: germline.

Mayo Clinic Laboratories, Mayo Clinic
Classification: Pathogenic. Last evaluated: 2023-12-12. Review status: criteria provided, single submitter. Criteria: ACMG Guidelines, 2015. Collection method: clinical testing. Allele origin: germline. Observed: 3 variant alleles.
Comment: PVS1

Department of Pathology and Laboratory Medicine, Sinai Health System
Classification: Pathogenic for acid sphingomyelinase deficiency. Last evaluated: 2022-04-26. Review status: criteria provided, single submitter. Criteria: ACMG Guidelines, 2015. Collection method: research. Allele origin: germline.

Broad Center for Mendelian Genomics, Broad Institute of MIT and Harvard
Classification: Pathogenic for Sphingomyelin/cholesterol lipidosis. Last evaluated: 2020-01-22. Review status: criteria provided, single submitter. Criteria: ACMG Guidelines, 2015. Collection method: curation. Allele origin: germline. Inheritance: Autosomal recessive inheritance.
Comment: The p.Phe333SerfsTer52 variant in SMPD1 (also known as p.Phe331SerfsTer52 due to a difference in cDNA numbering) has been reported in at least 9 individuals with Niemann-Pick disease, segregated with disease in 3 individuals from 1 family (PMID: 15877209, 9266408, 29995201, 8401540, 12369017), and has been identified in 0.129% (13/10078) of Ashkenazi Jewish chromosomes and 0.001% (1/113702) of European (non-Finnish) chromosomes by the Genome Aggregation Database (gnomAD; dbSNP rs387906289). Although this variant has been seen in the general population, its frequency is consistent with the increased carrier rate in the Ashkenazi Jewish population and is not high enough to rule out a pathogenic role. This variant has also been reported in ClinVar (VariationID: 2990) as pathogenic by Counsyl, EGL Genetic Diagnostics, GeneReviews, Integrated Genetics, and OMIM. In vitro functional studies provide some evidence that the p.Phe333Serfs variant may impact protein function (PMID: 15877209; 9266408). However, these types of assays may not accurately represent biological function. This variant is predicted to cause a frameshift, which alters the protein's amino acid sequence beginning at position 333 and leads to a premature termination codon 52 amino acids downstream. This alteration is then predicted to lead to a truncated or absent protein. Although this variant causes loss of function, it is pathogenic without the use of PVS1 and was used to establish whether loss of function is a mechanism of disease. The phenotype of individuals compound heterozygous for this variant is highly specific for Niemann-Pick disease based on acid sphingomyelinase activity being <10%, consistent with disease (PMID: 15877209). The presence of this variant in combination with reported pathogenic or likely pathogenic variants in at least 7 individuals with Niemann-Pick disease increases the likelihood that the p.Phe333Serfs variant is pathogenic (VariationID: 198093, 2980; PMID: 15877209, 9266408, 29995201, 8401540, 12369017). In summary, this variant meets criteria to be classified as pathogenic for Niemann-Pick disease in an autosomal recessive manner based on its presence in trans with other pathogenic variants in affected individuals, in vitro functional studies, cosegregation, and the phenotype of patients with the variant being highly specific for disease. ACMG/AMP Criteria applied: PM3_very-strong, PS3_moderate, PP1, PP4 (Richards 2015).

Myriad Genetics, Inc.
Classification: Pathogenic for Niemann-Pick disease, type A. Last evaluated: 2019-11-11. Review status: criteria provided, single submitter. Criteria: Myriad Women's Health Autosomal Recessive and X-Linked Classification Criteria (2019). Collection method: clinical testing. Allele origin: unknown.
Comment: NM_000543.4(SMPD1):c.996delC(aka fsP330) is classified as pathogenic in the context of Niemann-Pick disease. Sources cited for classification include the following: 9266408 and 23252888. Classification of NM_000543.4(SMPD1):c.996delC(aka fsP330) is based on the following criteria: The variant causes a premature termination codon that is expected to be targeted by nonsense-mediated mRNA decay and is reported in individuals with the relevant phenotype. Please note: this variant was assessed in the context of healthy population screening.

Women's Health and Genetics/Laboratory Corporation of America, LabCorp
Classification: Pathogenic for Niemann-Pick disease, type A. Last evaluated: 2016-12-15. Review status: criteria provided, single submitter. Criteria: LabCorp Variant Classification Summary - May 2015. Collection method: clinical testing. Allele origin: germline.
Comment: Variant summary: The SMPD1 c.996delC (p.Phe333Serfs) variant results in a premature termination codon, predicted to cause a truncated or absent SMPD1 protein due to nonsense mediated decay, which are commonly known mechanisms for disease. One in silico tool predicts a damaging outcome for this variant. This variant was found in 31/144104 control chromosomes at a frequency of 0.0002151, which does not exceed the estimated maximal expected allele frequency of a pathogenic SMPD1 variant (0.0022361). This variant has been reported in multiple NPDA patients and has been reported as one of the founder SMPD1 Ashkenazi mutations. This variant has also been reported in patients with Parkinson disease and was suggested to possibly contribute to PD. In addition, multiple clinical diagnostic laboratories/reputable databases classified this variant as pathogenic. Taken together, this variant is classified as pathogenic.

Eurofins Ntd Llc (ga)
Classification: Pathogenic. Last evaluated: 2014-12-08. Review status: criteria provided, single submitter. Criteria: EGL Classification Definitions 2015. Collection method: clinical testing. Allele origin: germline. Observed: 1 variant allele, 1 heterozygote.

Counsyl
Classification: Pathogenic for Niemann-Pick disease, type B. Last evaluated: 2015-09-10. Review status: no assertion criteria provided. Collection method: clinical testing. Allele origin: unknown. Not counted in ClinVar's aggregate classification.

OMIM
Classification: Pathogenic for NIEMANN-PICK DISEASE, TYPE A. Last evaluated: 1993-01-01. Review status: no assertion criteria provided. Collection method: literature only. Allele origin: germline. Not counted in ClinVar's aggregate classification.

GeneReviews
No classification provided. Condition: Sphingomyelin/cholesterol lipidosis. Review status: no classification provided. Collection method: literature only. Allele origin: germline. Not counted in ClinVar's aggregate classification.
Comment: 1 of 3 common variants that accounts for more than 90% of pathogenic variants in persons of Ashkenazi Jewish ancestry with Niemann-Pick disease type-A

Literature cited by the submitters: PubMed 12369017 (cited by 3 submitters); PubMed 15221801 (cited by Labcorp Genetics (formerly Invitae), Labcorp); PubMed 8401540 (cited by 8 submitters); PubMed 23252888 (cited by 3 submitters); PubMed 16642440 (cited by Mayo Clinic Laboratories, Mayo Clinic and Counsyl); PubMed 29995201 (cited by Mayo Clinic Laboratories, Mayo Clinic and Broad Center for Mendelian Genomics, Broad Institute of MIT and Harvard); PubMed 9266408 (cited by 3 submitters); PubMed 15877209 (cited by Broad Center for Mendelian Genomics, Broad Institute of MIT and Harvard); PubMed 23535491 (cited by Women's Health and Genetics/Laboratory Corporation of America, LabCorp); PubMed 26169695 (cited by Women's Health and Genetics/Laboratory Corporation of America, LabCorp); PubMed 21502868 (cited by Counsyl).